The following is an entry in ClinVar:

ClinVar aggregate classification (germline): Uncertain significance (1 of 4 stars; one submission).

Conditions:
Hereditary cancer-predisposing syndrome. Also called: Neoplastic Syndromes, Hereditary; Hereditary neoplastic syndrome; Tumor predisposition; Hereditary Cancer Syndrome. Identifiers: Orphanet 140162, MedGen C0027672, MeSH D009386, MONDO:0015356.

Submission:

Ambry Genetics
Classification: Uncertain significance for Hereditary cancer-predisposing syndrome. Last evaluated: 2026-02-16. Review status: criteria provided, single submitter. Criteria: Ambry Variant Classification Scheme 2023. Collection method: clinical testing. Allele origin: germline.
Comment: The p.W714C variant (also known as c.2142G>C), located in coding exon 14 of the BRIP1 gene, results from a G to C substitution at nucleotide position 2142. The tryptophan at codon 714 is replaced by cysteine, an amino acid with highly dissimilar properties. This amino acid position is conserved. In addition, this alteration is predicted to be deleterious by in silico analysis. Based on the available evidence, the clinical significance of this variant remains unclear.

NM_032043.3(BRIP1):c.2142G>C (p.Trp714Cys)

Gene: BRIP1 (BRCA1 interacting DNA helicase 1; minus strand). Cytogenetic location: 17q23.2.
Variant type: single nucleotide variant.
Coding change: c.2142G>C on transcript NM_032043.3 (MANE Select); coding-DNA position 2142, G replaced by C.
Protein change: p.Trp714Cys; replaces tryptophan 714 with cysteine.
Molecular consequence: missense variant.
Genome position (GRCh38, 1-based): chr17:61,744,547, C>G on the plus strand (G>C on the coding strand, the complement: BRIP1 is on the minus strand). VCF-style: chr17-61744547-C-G. GRCh37 (hg19) VCF-style: chr17-59821908-C-G.
Other names: short protein forms W714C.
Identifiers: ClinVar variation 4823951 (VCV004823951.1).